The following is an entry in ClinVar:

NM_020975.6(RET):c.1893_1898del (p.Asp631_Leu633delinsGlu)

Gene: RET (ret proto-oncogene; plus strand). Cytogenetic location: 10q11.21.
Variant type: Deletion.
Coding change: c.1893_1898del on transcript NM_020975.6 (MANE Select); coding-DNA positions 1893 to 1898, 6 bases deleted (CGAGCT; older notation c.1893_1898delCGAGCT).
Protein change: p.Asp631_Leu633delinsGlu.
Molecular consequence: inframe indel.
Genome position (GRCh38, 1-based): chr10:43,114,493-43,114,498, CGAGCT deleted. VCF-style (leftmost placement, unchanged base first): chr10-43114492-ACGAGCT-A. GRCh37 (hg19) VCF-style: chr10-43609940-ACGAGCT-A.
Other names: c.1893_1898delCGAGCT (NM_020975.6); c.1893_1898delCGAGCT, p.Asp631_Leu633delinsGlu (NM_000323.2, NM_001406743.1, NM_001406744.1 and 4 more transcripts); c.1131_1136delCGAGCT, p.Asp377_Leu379delinsGlu (NM_001355216.2); c.1764_1769delCGAGCT, p.Asp588_Leu590delinsGlu (NM_001406761.1, NM_001406762.1, NM_001406764.1); c.1605_1610delCGAGCT, p.Asp535_Leu537delinsGlu (NM_001406766.1, NM_001406767.1, NM_001406770.1); c.1497_1502delCGAGCT, p.Asp499_Leu501delinsGlu (NM_001406769.1, NM_001406772.1); c.1455_1460delCGAGCT, p.Asp485_Leu487delinsGlu (NM_001406771.1, NM_001406773.1); c.1368_1373delCGAGCT, p.Asp456_Leu458delinsGlu (NM_001406774.1); and 8 more.
Identifiers: ClinVar variation 986727 (VCV000986727.4), dbSNP rs121913307, ClinGen allele CA206262824.

ClinVar aggregate classification (germline): Likely pathogenic (1 of 4 stars; one submission).

Conditions:
Multiple endocrine neoplasia type 2B. Also called: MULTIPLE ENDOCRINE NEOPLASIA, TYPE IIB; MEN IIB; NEUROMATA, MUCOSAL, WITH ENDOCRINE TUMORS; MEN 2B; WAGENMANN-FROBOESE SYNDROME; MULTIPLE ENDOCRINE NEOPLASIA, TYPE III. Identifiers: Orphanet 247709, Orphanet 653, MedGen C0025269, MeSH D018814, MONDO:0008082, OMIM 162300.

Submission:

Division of Medical Genetics, Azienda Ospedaliero-Universitaria Policlinico S. Orsola-Malpighi
Classification: Likely pathogenic for Multiple endocrine neoplasia type 2B. Last evaluated: 2020-11-19. Review status: criteria provided, single submitter. Criteria: Submitter's publication. Collection method: clinical testing. Allele origin: de novo. Inheritance: Autosomal dominant inheritance. Affected: yes.
Comment: Segregation analysis undertaken in the family demonstrated that it occurred "de novo". This variant is very similar to a somatic in-frame deletion studied by Borganzone et al (1999), p.Glu632_Leu633del (c.1894_1899delGAGCTG), that reduces the spacing between two Cysteine residues, causing ligand-independent constitutive dimerization and activation of RET. Although in the p.Asp631_Leu633delinsGlu variant the deletion is shifted by 1 bp compared to the alteration described by Borganzone et al, it results in the deletion of two amino acids in the same location: thus, the final effect, that is the constitutive activation of RET signaling, is likely to be the same. Collectively taken, the "de novo" origin in the patient, her clinical phenotype, and the functional data support the hypothesis that the p.Asp631_Leu633delinsGlu variant is causative of MEN2B and should be assigned to the HST/H risk class.

Literature cited by the submitters: DOI 10.3390/cancers12113268.